The following is an entry in ClinVar:

NM_004629.2(FANCG):c.1572G>C (p.Trp524Cys)

Gene: FANCG (FA complementation group G; minus strand). Cytogenetic location: 9p13.3.
Variant type: single nucleotide variant.
Coding change: c.1572G>C on transcript NM_004629.2 (MANE Select); coding-DNA position 1572, G replaced by C.
Protein change: p.Trp524Cys; replaces tryptophan 524 with cysteine.
Molecular consequence: missense variant.
Genome position (GRCh38, 1-based): chr9:35,074,991, C>G on the plus strand (G>C on the coding strand, the complement: FANCG is on the minus strand). VCF-style: chr9-35074991-C-G. GRCh37 (hg19) VCF-style: chr9-35074988-C-G.
Other names: short protein forms W524C.
Identifiers: ClinVar variation 3848386 (VCV003848386.1).

ClinVar aggregate classification (germline): Uncertain significance (1 of 4 stars; one submission).

Conditions:
Inborn genetic diseases. Identifiers: MedGen C0950123, MeSH D030342.

Submission:

Ambry Genetics
Classification: Uncertain significance for Inborn genetic diseases. Last evaluated: 2024-12-25. Review status: criteria provided, single submitter. Criteria: Ambry Variant Classification Scheme 2023. Collection method: clinical testing. Allele origin: germline.
Comment: The p.W524C variant (also known as c.1572G>C), located in coding exon 12 of the FANCG gene, results from a G to C substitution at nucleotide position 1572. The tryptophan at codon 524 is replaced by cysteine, an amino acid with highly dissimilar properties. This amino acid position is conserved. In addition, the in silico prediction for this alteration is inconclusive. Based on the available evidence, the clinical significance of this variant remains unclear.